The following is an entry in ClinVar:

NM_004523.4(KIF11):c.2804C>T (p.Pro935Leu)

Gene: KIF11 (kinesin family member 11; plus strand). Cytogenetic location: 10q23.33.
Variant type: single nucleotide variant.
Coding change: c.2804C>T on transcript NM_004523.4 (MANE Select); coding-DNA position 2804, C replaced by T.
Protein change: p.Pro935Leu; replaces proline 935 with leucine.
Molecular consequence: missense variant.
Genome position (GRCh38, 1-based): chr10:92,649,868, C>T. VCF-style: chr10-92649868-C-T. GRCh37 (hg19) VCF-style: chr10-94409625-C-T.
Other names: short protein forms P935L.
Identifiers: ClinVar variation 3254544 (VCV003254544.1), dbSNP rs373720563.

ClinVar aggregate classification (germline): Uncertain significance (1 of 4 stars; one submission).

Conditions:
Microcephaly with or without chorioretinopathy, lymphedema, or impaired intellectual development. Also called: MICROCEPHALY AND CHORIORETINOPATHY WITH OR WITHOUT MENTAL RETARDATION, AUTOSOMAL DOMINANT; MICROCEPHALY, LYMPHEDEMA, CHORIORETINAL DYSPLASIA SYNDROME; Microcephaly lymphedema chorioretinal dysplasia; Microcephaly with or without chorioretinopathy, lymphedema, or mental retardation; Microcephaly with or without chorioretinopathy, lymphedema, or intellectual disability. Identifiers: Orphanet 2526, MedGen C1835265, MONDO:0007918, OMIM 152950.

Allele frequency attached by ClinVar (database versions not stated): gnomAD exomes below 0.00001; ExAC 0.00001; gnomAD 0.00001; ESP Exome Variant Server 0.00008.

Submission:

Victorian Clinical Genetics Services, Murdoch Childrens Research Institute
Classification: Uncertain significance for Microcephaly with or without chorioretinopathy, lymphedema, or impaired intellectual development. Last evaluated: 2023-07-17. Review status: criteria provided, single submitter. Criteria: ACMG Guidelines, 2015. Collection method: clinical testing. Allele origin: germline. Inheritance: Autosomal dominant inheritance. Affected: yes.
Comment: Based on the classification scheme VCGS_Germline_v1.3.4, this variant is classified as VUS-3B. Following criteria are met: 0102 - Loss of function is a known mechanism of disease in this gene and is associated with microcephaly with or without chorioretinopathy, lymphedema, or intellectual disability (MIM#152950). The mechanism of missense variants is unclear. (I) 0107 - This gene is associated with autosomal dominant disease. (I) 0112 - The condition associated with this gene has incomplete penetrance (PMID: 27212378). (I) 0115 - Variants in this gene are known to have variable expressivity (OMIM). (I) 0200 - Variant is predicted to result in a missense amino acid change from proline to leucine. (I) 0251 - This variant is heterozygous. (I) 0302 - Variant is present in gnomAD (v2) <0.001 for a dominant condition (2 heterozygotes, 0 homozygotes). (SP) 0501 - Missense variant consistently predicted to be damaging by multiple in silico tools or highly conserved with a major amino acid change. (SP) 0600 - Variant is located in the annotated kinesin-associated microtubule binding domain (DECIPHER). (I) 0705 - No comparable missense variants have previous evidence for pathogenicity. (I) 0807 - This variant has no previous evidence of pathogenicity. (I) 0905 - No published segregation evidence has been identified for this variant. (I) 1007 - No published functional evidence has been identified for this variant. (I) Legend: (SP) - Supporting pathogenic, (I) - Information, (SB) - Supporting benign

Literature cited by the submitters: PubMed 27212378.